The following is an entry in ClinVar:

NM_003070.5(SMARCA2):c.820A>C (p.Thr274Pro)

Gene: SMARCA2 (SWI/SNF related BAF chromatin remodeling complex subunit ATPase 2; plus strand). Cytogenetic location: 9p24.3.
Variant type: single nucleotide variant.
Coding change: c.820A>C on transcript NM_003070.5 (MANE Select); coding-DNA position 820, A replaced by C.
Protein change: p.Thr274Pro; replaces threonine 274 with proline.
Molecular consequence: missense variant.
Genome position (GRCh38, 1-based): chr9:2,047,258, A>C. VCF-style: chr9-2047258-A-C. GRCh37 (hg19) VCF-style: chr9-2047258-A-C.
Other names: c.820A>C, p.Thr274Pro (NM_001289396.2, NM_001289397.2, NM_139045.4); c.820A>C (NM_003070.3); short protein forms T274P.
Identifiers: ClinVar variation 3611215 (VCV003611215.3).

ClinVar aggregate classification (germline): Uncertain significance. Review status: criteria provided, multiple submitters, no conflicts (2 of 4 stars). 2 submissions from 2 submitters: Uncertain significance (2). Last evaluated 2025-11-26.

Conditions:
Inborn genetic diseases. Identifiers: MedGen C0950123, MeSH D030342.

gnomAD v4.1: 38 of 1,006,856 alleles (0.0038%); highest among the groups gnomAD compares: Non-Finnish European, 0.0045%; no homozygotes.

Submissions (2):

Ambry Genetics
Classification: Uncertain significance for Inborn genetic diseases. Last evaluated: 2025-11-26. Review status: criteria provided, single submitter. Criteria: Ambry Variant Classification Scheme 2023. Collection method: clinical testing. Allele origin: germline.

Labcorp Genetics (formerly Invitae), Labcorp
Classification: Uncertain significance. Last evaluated: 2024-04-30. Review status: criteria provided, single submitter. Criteria: Invitae Variant Classification Sherloc (09022015). Collection method: clinical testing. Allele origin: germline.
Comment: This sequence change replaces threonine, which is neutral and polar, with proline, which is neutral and non-polar, at codon 274 of the SMARCA2 protein (p.Thr274Pro). The frequency data for this variant in the population databases is considered unreliable, as metrics indicate insufficient coverage at this position in the gnomAD database. This variant has not been reported in the literature in individuals affected with SMARCA2-related conditions. Advanced modeling of protein sequence and biophysical properties (such as structural, functional, and spatial information, amino acid conservation, physicochemical variation, residue mobility, and thermodynamic stability) performed at Invitae indicates that this missense variant is not expected to disrupt SMARCA2 protein function with a negative predictive value of 80%. In summary, the available evidence is currently insufficient to determine the role of this variant in disease. Therefore, it has been classified as a Variant of Uncertain Significance.